The following is an entry in ClinVar:

NM_002230.4(JUP):c.1774-13C>T

Gene: JUP (junction plakoglobin; minus strand). Cytogenetic location: 17q21.2.
Variant type: single nucleotide variant.
Coding change: c.1774-13C>T on transcript NM_002230.4 (MANE Select); 13 bases into the intron before coding-DNA position 1774, C replaced by T.
Molecular consequence: intron variant.
Genome position (GRCh38, 1-based): chr17:41,757,797, G>A on the plus strand (C>T on the coding strand, the complement: JUP is on the minus strand). VCF-style: chr17-41757797-G-A. GRCh37 (hg19) VCF-style: chr17-39914049-G-A.
Other names: c.1774-13C>T (NM_001352774.2, NM_021991.4, NM_001352776.2 and 3 more transcripts).
Identifiers: ClinVar variation 36424 (VCV000036424.40), dbSNP rs116772523, ClinGen allele CA137161.

ClinVar aggregate classification (germline): Benign/Likely benign. Review status: criteria provided, multiple submitters, no conflicts (2 of 4 stars). 14 submissions from 13 submitters: Benign (5); Likely benign (2). 7 of the submissions do not count toward it. Last evaluated 2026-02-03.

Conditions:
Cardiac arrhythmia. Also called: Arrhythmia; Cardiac rhythm disease. Identifiers: MedGen C0003811, MONDO:0007263, HP:0011675.
Naxos disease (NXD). Also called: WOOLLY HAIR, PALMOPLANTAR KERATODERMA, AND CARDIAC ABNORMALITIES; CARDIOMYOPATHY, ARRHYTHMOGENIC RIGHT VENTRICULAR, WITH SKIN, HAIR, AND NAIL ABNORMALITIES; KERATOSIS PALMOPLANTARIS WITH ARRHYTHMOGENIC CARDIOMYOPATHY; MAL DE NAXOS; PALMOPLANTAR KERATODERMA WITH ARRHYTHMOGENIC RIGHT VENTRICULAR CARDIOMYOPATHY AND WOOLLY HAIR. Identifiers: Orphanet 34217, MedGen C1832600, MONDO:0011017, OMIM 601214.
Arrhythmogenic right ventricular dysplasia 12. Also called: ARRHYTHMOGENIC RIGHT VENTRICULAR DYSPLASIA, FAMILIAL, 12. Identifiers: MedGen C1969081, MONDO:0012684, OMIM 611528.
Cardiomyopathy (CMYO). Also called: Cardiomyopathies. Identifiers: Orphanet 167848, MedGen C0878544, MONDO:0004994, HP:0001638. Inheritance: Various modes of inheritance.

Allele frequency attached by ClinVar (database versions not stated): gnomAD exomes 0.00201 and 0.00553; ExAC 0.00691; ESP Exome Variant Server 0.02286; TOPMed 0.02476; 1000 Genomes Project 0.02536; 1000 Genomes Project 30x 0.02701.
gnomAD v4.1: 6,359 of 1,600,546 alleles (0.4%); highest among the groups gnomAD compares: African/African-American, 7.6%; 214 homozygotes.

Submissions (14):

Labcorp Genetics (formerly Invitae), Labcorp
Classification: Benign for Arrhythmogenic right ventricular dysplasia 12; Naxos disease. Last evaluated: 2026-02-03. Review status: criteria provided, single submitter. Criteria: Invitae Variant Classification Sherloc (09022015). Collection method: clinical testing. Allele origin: germline.

ARUP Laboratories, Molecular Genetics and Genomics, ARUP Laboratories
Classification: Benign. Last evaluated: 2025-04-08. Review status: criteria provided, single submitter. Criteria: ARUP Molecular Germline Variant Investigation Process 2024. Collection method: clinical testing. Allele origin: germline.

Illumina Laboratory Services, Illumina
Classification: Likely benign for Arrhythmogenic right ventricular dysplasia 12. Last evaluated: 2017-04-27. Review status: criteria provided, single submitter. Criteria: ICSL Variant Classification Criteria 13 December 2019. Collection method: clinical testing. Allele origin: germline.
Comment: This variant was observed as part of a predisposition screen in an ostensibly healthy population. A literature search was performed for the gene, cDNA change, and amino acid change (where applicable). No publications were found based on this search. Allele frequency data from public databases allowed determination this variant is unlikely to cause disease. Therefore, this variant is classified as likely benign.

Illumina Laboratory Services, Illumina
Classification: Likely benign for Naxos disease. Last evaluated: 2017-04-27. Review status: criteria provided, single submitter. Criteria: ICSL Variant Classification Criteria 13 December 2019. Collection method: clinical testing. Allele origin: germline.
Comment: the same text as in the submission from Illumina Laboratory Services, Illumina above.

GeneDx
Classification: Benign. Last evaluated: 2013-05-10. Review status: criteria provided, single submitter. Criteria: GeneDx Variant Classification (06012015). Collection method: clinical testing. Allele origin: germline. Affected: yes.
Comment: This variant is considered likely benign or benign based on one or more of the following criteria: it is a conservative change, it occurs at a poorly conserved position in the protein, it is predicted to be benign by multiple in silico algorithms, and/or has population frequency not consistent with disease.

Laboratory for Molecular Medicine, Mass General Brigham Personalized Medicine
Classification: Benign. Last evaluated: 2012-07-17. Review status: criteria provided, single submitter. Criteria: LMM Criteria. Collection method: clinical testing. Allele origin: germline. Observed: 35 variant alleles.
Comment: 6.7% (295/4402) of Afr Amer chrom from ESP

PreventionGenetics, part of Exact Sciences
Classification: Benign. Review status: criteria provided, single submitter. Criteria: ACMG Guidelines, 2015. Collection method: clinical testing. Allele origin: germline.

Cohesion Phenomics
Classification: Benign for Cardiomyopathy. Last evaluated: 2022-09-23. Review status: no assertion criteria provided. Criteria: ACMG Guidelines, 2015. Collection method: clinical testing. Allele origin: germline. Affected: yes. Not counted in ClinVar's aggregate classification.

Women's Health and Genetics/Laboratory Corporation of America, LabCorp
Classification: Benign for Arrhythmia. Last evaluated: 2015-05-20. Review status: no assertion criteria provided. Collection method: clinical testing. Allele origin: germline. Not counted in ClinVar's aggregate classification.

Clinical Genetics DNA and cytogenetics Diagnostics Lab, Erasmus MC, Erasmus Medical Center
Classification: Benign. Review status: no assertion criteria provided. Collection method: clinical testing. Allele origin: germline. Affected: yes. Study: VKGL Data-share Consensus. Not counted in ClinVar's aggregate classification.

Clinical Genetics, Academic Medical Center
Classification: Benign. Review status: no assertion criteria provided. Collection method: clinical testing. Allele origin: germline. Affected: yes. Study: VKGL Data-share Consensus. Not counted in ClinVar's aggregate classification.

Diagnostic Laboratory, Department of Genetics, University Medical Center Groningen
Classification: Likely benign. Review status: no assertion criteria provided. Collection method: clinical testing. Allele origin: germline. Affected: yes. Study: VKGL Data-share Consensus. Not counted in ClinVar's aggregate classification.

Genome Diagnostics Laboratory, University Medical Center Utrecht
Classification: Benign. Review status: no assertion criteria provided. Collection method: clinical testing. Allele origin: germline. Affected: yes. Study: VKGL Data-share Consensus. Not counted in ClinVar's aggregate classification.

Joint Genome Diagnostic Labs from Nijmegen and Maastricht, Radboudumc and MUMC+
Classification: Benign. Review status: no assertion criteria provided. Collection method: clinical testing. Allele origin: germline. Affected: yes. Study: VKGL Data-share Consensus. Not counted in ClinVar's aggregate classification.